The following is an entry in ClinVar:

NM_002709.3(PPP1CB):c.148A>G (p.Ile50Val)

Gene: PPP1CB (protein phosphatase 1 catalytic subunit beta; plus strand). Cytogenetic location: 2p23.2.
Variant type: single nucleotide variant.
Coding change: c.148A>G on transcript NM_002709.3 (MANE Select); coding-DNA position 148, A replaced by G.
Protein change: p.Ile50Val; replaces isoleucine 50 with valine.
Molecular consequence: missense variant.
Genome position (GRCh38, 1-based): chr2:28,776,946, A>G. VCF-style: chr2-28776946-A-G. GRCh37 (hg19) VCF-style: chr2-28999812-A-G.
Other names: c.148A>G, p.Ile50Val (NM_206876.2); short protein forms I50V.
Identifiers: ClinVar variation 4845040 (VCV004845040.1).

ClinVar aggregate classification (germline): Uncertain significance (1 of 4 stars; one submission).

Conditions:
Cardiovascular phenotype. Identifiers: MedGen CN230736.

gnomAD v4.1: 2 of 1,613,738 alleles (0.00012%); highest among the groups gnomAD compares: African/African-American, 0.0013%; no homozygotes.

Submission:

Ambry Genetics
Classification: Uncertain significance for Cardiovascular phenotype. Last evaluated: 2026-02-13. Review status: criteria provided, single submitter. Criteria: Ambry Variant Classification Scheme 2023. Collection method: clinical testing. Allele origin: germline.
Comment: The p.I50V variant (also known as c.148A>G), located in coding exon 2 of the PPP1CB gene, results from an A to G substitution at nucleotide position 148. The isoleucine at codon 50 is replaced by valine, an amino acid with highly similar properties. This amino acid position is conserved. In addition, this alteration is predicted to be tolerated by in silico analysis. Based on the available evidence, the clinical significance of this variant remains unclear.